The following is an entry in ClinVar:

ClinVar aggregate classification (germline): Uncertain significance. Review status: criteria provided, multiple submitters, no conflicts (2 of 4 stars). 2 submissions from 2 submitters: Uncertain significance (2). Last evaluated 2024-07-10.

Submissions (2):

GeneDx
Classification: Uncertain significance. Last evaluated: 2024-07-10. Review status: criteria provided, single submitter. Criteria: GeneDx Variant Classification Process June 2021. Collection method: clinical testing. Allele origin: germline. Affected: yes.
Comment: Not observed at significant frequency in large population cohorts (gnomAD); In-frame insertion of seven amino acids in a non-repeat region; Has not been previously published as pathogenic or benign to our knowledge

Revvity Omics, Revvity
Classification: Uncertain significance. Last evaluated: 2021-11-26. Review status: criteria provided, single submitter. Criteria: ACMG Guidelines, 2015. Collection method: clinical testing. Allele origin: germline.

NM_001199107.2(TBC1D24):c.943_963dup (p.Lys321_Ser322insGlyIleThrValLysGlnLys)

Gene: TBC1D24 (TBC1 domain family member 24; plus strand). Cytogenetic location: 16p13.3.
Variant type: Duplication.
Coding change: c.943_963dup on transcript NM_001199107.2 (MANE Select); coding-DNA positions 943 to 963, 21 bases duplicated (GGCATCACCGTGAAGCAGAAG).
Protein change: p.Lys321_Ser322insGlyIleThrValLysGlnLys.
Molecular consequence: inframe insertion.
Genome position (GRCh38, 1-based): chr16:2,497,091-2,497,111, GGCATCACCGTGAAGCAGAAG duplicated; duplicating any 21 consecutive bases within chr16:2,497,080-2,497,111 gives the same sequence; the c. name uses the placement nearest the transcript's 3' end. VCF-style (leftmost placement, unchanged base first): chr16-2497079-C-CTGAAGCAGAAGGGCATCACCG. GRCh37 (hg19) VCF-style: chr16-2547080-C-CTGAAGCAGAAGGGCATCACCG.
Other names: c.943_963dup, p.Lys321_Arg322insGlyIleThrValLysGlnLys (NM_020705.3); c.943_963dup (NM_001199107.1).
Identifiers: ClinVar variation 2436963 (VCV002436963.4), dbSNP rs2505516757, ClinGen allele CA2580091047.